The following is an entry in ClinVar:

NM_001042492.3(NF1):c.3318C>A (p.Tyr1106Ter)

Gene: NF1 (neurofibromin 1; plus strand). Cytogenetic location: 17q11.2.
Variant type: single nucleotide variant.
Coding change: c.3318C>A on transcript NM_001042492.3 (MANE Select); coding-DNA position 3318, C replaced by A.
Protein change: p.Tyr1106Ter; replaces tyrosine 1106 with a stop codon.
Molecular consequence: nonsense.
Genome position (GRCh38, 1-based): chr17:31,232,703, C>A. VCF-style: chr17-31232703-C-A. GRCh37 (hg19) VCF-style: chr17-29559721-C-A.
Other names: c.3318C>A, p.Tyr1106Ter (NM_000267.4); short protein forms Y1106*.
Identifiers: ClinVar variation 547626 (VCV000547626.7), dbSNP rs876659289, ClinGen allele CA398988965.
Genomic context (GRCh38, chr17:31,232,703, plus strand): 5'-TAGCTTTCTAGTTGATACGGCCTTCACTATGTAAAGGTCAGTCTTTTTATTTCTCAGATA[C>A]TTCACATTATTTATGAACCTTTTGAATGACTGCAGTGAAGTTGAAGATGAAAGTGCGCAA-3'

ClinVar aggregate classification (germline): Pathogenic/Likely pathogenic. Review status: criteria provided, multiple submitters, no conflicts (2 of 4 stars). 3 submissions from 3 submitters: Pathogenic (1); Likely pathogenic (2). Last evaluated 2022-03-15.

Conditions:
Neurofibromatosis, type 1 (NF1). Also called: NEUROFIBROMATOSIS, TYPE I, SOMATIC; VON RECKLINGHAUSEN DISEASE; Peripheral type neurofibromatosis; Neurofibromatosis, type I. Identifiers: Orphanet 636, MedGen C0027831, MONDO:0018975, OMIM 162200. Disease mechanism: loss of function.

Submissions (3):

Genome-Nilou Lab
Classification: Likely pathogenic for Neurofibromatosis, type 1. Last evaluated: 2022-03-15. Review status: criteria provided, single submitter. Criteria: ACMG Guidelines, 2015. Collection method: clinical testing. Allele origin: germline. Affected: no.

Labcorp Genetics (formerly Invitae), Labcorp
Classification: Pathogenic for Neurofibromatosis, type 1. Last evaluated: 2020-01-22. Review status: criteria provided, single submitter. Criteria: Invitae Variant Classification Sherloc (09022015). Collection method: clinical testing. Allele origin: germline.
Comment: This sequence change creates a premature translational stop signal (p.Tyr1106*) in the NF1 gene. It is expected to result in an absent or disrupted protein product. This variant is not present in population databases (ExAC no frequency). This nonsense variant has been observed in individual(s) with neurofibromatosis type 1 (PMID: 27838393). ClinVar contains an entry for this variant (Variation ID: 547626). Loss-of-function variants in NF1 are known to be pathogenic (PMID: 10712197, 23913538). For these reasons, this variant has been classified as Pathogenic.

Center for Human Genetics, Inc
Classification: Likely pathogenic for Neurofibromatosis, type 1. Last evaluated: 2016-11-01. Review status: criteria provided, single submitter. Criteria: ACMG Guidelines, 2015. Collection method: clinical testing. Allele origin: germline. Affected: yes.

Literature cited by the submitters: PubMed 27838393 (cited by Labcorp Genetics (formerly Invitae), Labcorp); PubMed 10712197 (cited by Labcorp Genetics (formerly Invitae), Labcorp); PubMed 23913538 (cited by Labcorp Genetics (formerly Invitae), Labcorp).